The following is an entry in ClinVar:

NM_001042492.3(NF1):c.1182T>G (p.Phe394Leu)

Gene: NF1 (neurofibromin 1; plus strand). Cytogenetic location: 17q11.2.
Variant type: single nucleotide variant.
Coding change: c.1182T>G on transcript NM_001042492.3 (MANE Select); coding-DNA position 1182, T replaced by G.
Protein change: p.Phe394Leu; replaces phenylalanine 394 with leucine.
Molecular consequence: missense variant.
Genome position (GRCh38, 1-based): chr17:31,201,156, T>G. VCF-style: chr17-31201156-T-G. GRCh37 (hg19) VCF-style: chr17-29528174-T-G.
Other names: c.1182T>G, p.Phe394Leu (NM_000267.4, NM_001128147.3); short protein forms F394L.
Identifiers: ClinVar variation 480201 (VCV000480201.10), dbSNP rs786202581, ClinGen allele CA398997349.
Genomic context (GRCh38, chr17:31,201,156, plus strand): 5'-TCTAATGATTGACTGCCTTGTTTCTTGCTTTCGTATAAGCCCTCACAACAACCAACACTT[T>G]AAGGTGAGAGCATTGGTTTTTATCTAACTATATTTACTGATGCTGTTATCCTTTATAAAC-3'
Protein context (NP_001035957.1, residues 384-404): FRISPHNNQH[Phe394Leu]KICLAQNSPS

ClinVar aggregate classification (germline): Uncertain significance. Review status: criteria provided, multiple submitters, no conflicts (2 of 4 stars). 2 submissions from 2 submitters: Uncertain significance (2). Last evaluated 2023-07-28.

Conditions:
Cardiovascular phenotype. Identifiers: MedGen CN230736.
Hereditary cancer-predisposing syndrome. Also called: Hereditary neoplastic syndrome; Neoplastic Syndromes, Hereditary; Tumor predisposition; Hereditary Cancer Syndrome. Identifiers: Orphanet 140162, MedGen C0027672, MeSH D009386, MONDO:0015356.
Neurofibromatosis, type 1 (NF1). Also called: VON RECKLINGHAUSEN DISEASE; Peripheral type neurofibromatosis; NEUROFIBROMATOSIS, TYPE I, SOMATIC; Neurofibromatosis, type I. Identifiers: Orphanet 636, MedGen C0027831, MONDO:0018975, OMIM 162200. Disease mechanism: loss of function.

Submissions (2):

Labcorp Genetics (formerly Invitae), Labcorp
Classification: Uncertain significance for Neurofibromatosis, type 1. Last evaluated: 2023-07-28. Review status: criteria provided, single submitter. Criteria: Invitae Variant Classification Sherloc (09022015). Collection method: clinical testing. Allele origin: germline.
Comment: This variant is not present in population databases (gnomAD no frequency). This variant has not been reported in the literature in individuals affected with NF1-related conditions. ClinVar contains an entry for this variant (Variation ID: 480201). Advanced modeling of protein sequence and biophysical properties (such as structural, functional, and spatial information, amino acid conservation, physicochemical variation, residue mobility, and thermodynamic stability) performed at Invitae indicates that this missense variant is not expected to disrupt NF1 protein function. In summary, the available evidence is currently insufficient to determine the role of this variant in disease. Therefore, it has been classified as a Variant of Uncertain Significance. This sequence change replaces phenylalanine, which is neutral and non-polar, with leucine, which is neutral and non-polar, at codon 394 of the NF1 protein (p.Phe394Leu).

Ambry Genetics
Classification: Uncertain significance for Cardiovascular phenotype; Hereditary cancer-predisposing syndrome. Last evaluated: 2017-04-13. Review status: criteria provided, single submitter. Criteria: Ambry Variant Classification Scheme 2023. Collection method: clinical testing. Allele origin: germline.
Comment: The p.F394L variant (also known as c.1182T>G), located in coding exon 10 of the NF1 gene, results from a T to G substitution at nucleotide position 1182. The phenylalanine at codon 394 is replaced by leucine, an amino acid with highly similar properties. This amino acid position is highly conserved in available vertebrate species. In addition, the in silico prediction for this alteration is inconclusive. Since supporting evidence is limited at this time, the clinical significance of this alteration remains unclear.